The following is an entry in ClinVar:

NM_032043.3(BRIP1):c.93+11_93+12dup

Gene: BRIP1 (BRCA1 interacting DNA helicase 1; minus strand). Cytogenetic location: 17q23.2.
Variant type: Duplication.
Coding change: c.93+11_93+12dup on transcript NM_032043.3 (MANE Select); bases 11 to 12 of the intron after coding-DNA position 93, 2 bases duplicated (TT; older notation c.93+11_93+12dupTT).
Molecular consequence: intron variant.
Genome position (GRCh38, 1-based): chr17:61,861,435-61,861,436, AA duplicated on the plus strand (TT on the coding strand, the reverse complement: BRIP1 is on the minus strand); duplicating any 2 consecutive bases within chr17:61,861,435-61,861,439 gives the same sequence; the c. name uses the placement nearest the transcript's 3' end. VCF-style (leftmost placement, unchanged base first): chr17-61861434-G-GAA. GRCh37 (hg19) VCF-style: chr17-59938795-G-GAA.
Other names: c.93+12_93+13insTT (NM_032043.2).
Identifiers: ClinVar variation 420885 (VCV000420885.6), dbSNP rs1064794767, ClinGen allele CA16620550.

ClinVar aggregate classification (germline): Likely benign. Review status: criteria provided, multiple submitters, no conflicts (2 of 4 stars). 3 submissions from 3 submitters: Likely benign (3). Last evaluated 2022-12-23.

Conditions:
Hereditary cancer-predisposing syndrome. Also called: Hereditary neoplastic syndrome; Hereditary Cancer Syndrome; Neoplastic Syndromes, Hereditary; Tumor predisposition. Identifiers: Orphanet 140162, MedGen C0027672, MeSH D009386, MONDO:0015356.
Fanconi anemia complementation group J. Also called: BRIP1-Related Fanconi Anemia. Identifiers: Orphanet 84, MedGen C1836860, MONDO:0012187, OMIM 609054.
Familial cancer of breast. Also called: hereditary breast carcinoma; Hereditary breast cancer; BREAST CANCER, FAMILIAL. Identifiers: Orphanet 227535, MedGen C0346153, MONDO:0016419, OMIM 114480. Disease mechanism: loss of function.

Submissions (3):

Labcorp Genetics (formerly Invitae), Labcorp
Classification: Likely benign for Familial cancer of breast; Fanconi anemia complementation group J. Last evaluated: 2022-12-23. Review status: criteria provided, single submitter. Criteria: Invitae Variant Classification Sherloc (09022015). Collection method: clinical testing. Allele origin: germline.

Color Diagnostics, LLC DBA Color Health
Classification: Likely benign for Hereditary cancer-predisposing syndrome. Last evaluated: 2019-03-19. Review status: criteria provided, single submitter. Criteria: ACMG Guidelines, 2015. Collection method: clinical testing. Allele origin: germline.

GeneDx
Classification: Likely benign. Last evaluated: 2016-04-07. Review status: criteria provided, single submitter. Criteria: GeneDx Variant Classification (06012015). Collection method: clinical testing. Allele origin: germline. Affected: yes.
Comment: This variant is considered likely benign or benign based on one or more of the following criteria: it is a conservative change, it occurs at a poorly conserved position in the protein, it is predicted to be benign by multiple in silico algorithms, and/or has population frequency not consistent with disease.